The following is an entry in ClinVar:

NC_000004.12:g.107308052G>A

Gene: DKK2 (dickkopf Wnt signaling pathway inhibitor 2; minus strand). Cytogenetic location: 4q25.
Variant type: single nucleotide variant.
Genome position: GRCh38 VCF-style: chr4-107308052-G-A. GRCh37 (hg19) VCF-style: chr4-108229209-G-A.
Identifiers: ClinVar variation 2498958 (VCV002498958.28), dbSNP rs568876472, ClinGen allele CA103534059.
Genomic context (GRCh38, chr4:107,308,052, plus strand): 5'-GTATATATACACATATATACACATACATGTGTGTATATATACACATATATACGCATACAT[G>A]TGTGTATATATACACATATATACGCATACATATGTGTGTATATATACACATATATACGCA-3'

ClinVar aggregate classification (germline): Likely benign (1 of 4 stars; one submission).

Allele frequency attached by ClinVar (database versions not stated): gnomAD 0.00093; 1000 Genomes Project 0.00399.

Submission:

CeGaT Center for Human Genetics Tuebingen
Classification: Likely benign. Last evaluated: 2023-02-01. Review status: criteria provided, single submitter. Criteria: CeGaT Center For Human Genetics Tuebingen Variant Classification Criteria Version 2. Collection method: clinical testing. Allele origin: germline. Affected: yes. Observed: 1 variant allele.
Comment: DKK2: BS2